The following is an entry in ClinVar:

ClinVar aggregate classification (germline): Uncertain significance (1 of 4 stars; one submission).

gnomAD v4.1: 93 of 1,613,768 alleles (0.0058%); highest among the groups gnomAD compares: South Asian, 0.042%; no homozygotes.

Submission:

Labcorp Genetics (formerly Invitae), Labcorp
Classification: Uncertain significance. Last evaluated: 2025-05-27. Review status: criteria provided, single submitter. Criteria: Invitae Variant Classification Sherloc (09022015). Collection method: clinical testing. Allele origin: germline.
Comment: This sequence change replaces asparagine, which is neutral and polar, with serine, which is neutral and polar, at codon 470 of the TNS2 protein (p.Asn470Ser). This variant is present in population databases (rs535274545, gnomAD 0.05%). This variant has not been reported in the literature in individuals affected with TNS2-related conditions. ClinVar contains an entry for this variant (Variation ID: 3636289). An algorithm developed to predict the effect of missense changes on protein structure and function (PolyPhen-2) suggests that this variant is likely to be disruptive. In summary, the available evidence is currently insufficient to determine the role of this variant in disease. Therefore, it has been classified as a Variant of Uncertain Significance.

NM_170754.4(TNS2):c.1379A>G (p.Asn460Ser)

Gene: TNS2 (tensin 2; plus strand). Cytogenetic location: 12q13.13.
Variant type: single nucleotide variant.
Coding change: c.1379A>G on transcript NM_170754.4 (MANE Select); coding-DNA position 1379, A replaced by G.
Protein change: p.Asn460Ser; replaces asparagine 460 with serine.
Molecular consequence: missense variant.
Genome position (GRCh38, 1-based): chr12:53,058,801, A>G. VCF-style: chr12-53058801-A-G. GRCh37 (hg19) VCF-style: chr12-53452585-A-G.
Other names: c.1379A>G, p.Asn460Ser (NM_001416202.1, NM_001416204.1); c.1310A>G, p.Asn437Ser (NM_001416203.1, NM_015319.3); c.1007A>G, p.Asn336Ser (NM_198316.2); short protein forms N437S, N460S, N336S.
Identifiers: ClinVar variation 3636289 (VCV003636289.2).